The following is an entry in ClinVar:

NM_001271.4(CHD2):c.2628G>T (p.Leu876Phe)

Gene: CHD2 (chromodomain helicase DNA binding protein 2; plus strand). Cytogenetic location: 15q26.1.
Variant type: single nucleotide variant.
Coding change: c.2628G>T on transcript NM_001271.4 (MANE Select); coding-DNA position 2628, G replaced by T.
Protein change: p.Leu876Phe; replaces leucine 876 with phenylalanine.
Molecular consequence: missense variant.
Genome position (GRCh38, 1-based): chr15:92,978,284, G>T. VCF-style: chr15-92978284-G-T. GRCh37 (hg19) VCF-style: chr15-93521514-G-T.
Other names: short protein forms L876F.
Identifiers: ClinVar variation 2631550 (VCV002631550.1), dbSNP rs772889877, ClinGen allele CA393893752.

ClinVar aggregate classification (germline): Likely pathogenic (1 of 4 stars; one submission).

Conditions:
CHD2-related disorder. Also called: CHD2-related condition.

Submission:

PreventionGenetics, part of Exact Sciences
Classification: Likely pathogenic for CHD2-related condition. Last evaluated: 2023-09-25. Review status: criteria provided, single submitter. Criteria: ACMG Guidelines, 2015. Collection method: clinical testing. Allele origin: germline.
Comment: The CHD2 c.2628G>T variant is predicted to result in the amino acid substitution p.Leu876Phe. To our knowledge, this variant has not been reported in the literature or in a large population database, indicating this variant is rare. This variant is interpreted as likely pathogenic.